The following is an entry in ClinVar:

ClinVar aggregate classification (germline): Uncertain significance (1 of 4 stars; one submission).

Conditions:
Primary ciliary dyskinesia. Also called: Ciliary dyskinesia. Identifiers: Orphanet 244, MedGen C0008780, MONDO:0016575, HP:0012265.

Submission:

Labcorp Genetics (formerly Invitae), Labcorp
Classification: Uncertain significance for Primary ciliary dyskinesia. Last evaluated: 2022-04-10. Review status: criteria provided, single submitter. Criteria: Invitae Variant Classification Sherloc (09022015). Collection method: clinical testing. Allele origin: germline.
Comment: This sequence change replaces glutamic acid, which is acidic and polar, with glycine, which is neutral and non-polar, at codon 267 of the CCNO protein (p.Glu267Gly). In summary, the available evidence is currently insufficient to determine the role of this variant in disease. Therefore, it has been classified as a Variant of Uncertain Significance. Algorithms developed to predict the effect of missense changes on protein structure and function are either unavailable or do not agree on the potential impact of this missense change (SIFT: "Deleterious"; PolyPhen-2: "Probably Damaging"; Align-GVGD: "Class C0"). This variant has not been reported in the literature in individuals affected with CCNO-related conditions. This variant is not present in population databases (gnomAD no frequency).

NM_021147.5(CCNO):c.800A>G (p.Glu267Gly)

Gene: CCNO (cyclin O; minus strand). Cytogenetic location: 5q11.2.
Variant type: single nucleotide variant.
Coding change: c.800A>G on transcript NM_021147.5 (MANE Select); coding-DNA position 800, A replaced by G.
Protein change: p.Glu267Gly; replaces glutamic acid 267 with glycine.
Molecular consequence: missense variant. On other transcripts: non-coding transcript variant (3).
Genome position (GRCh38, 1-based): chr5:55,231,628, T>C on the plus strand (A>G on the coding strand, the complement: CCNO is on the minus strand). VCF-style: chr5-55231628-T-C. GRCh37 (hg19) VCF-style: chr5-54527456-T-C.
Other names: short protein forms E267G.
Identifiers: ClinVar variation 2181606 (VCV002181606.4), dbSNP rs2478543119, ClinGen allele CA359721110.
Genomic context (GRCh38, chr5:55,231,628, plus strand): 5'-CAGCAGATCGCCAGGAGGGAAGGGGAGTAGCTGGTGAAGGCATAGTCGGCCAGACTCAGC[T>C]CTGCCACCCCCCGCGCCAGGGCTTGCGCTTCCAGAGCTTCGGAGGCCTCAGCCTGCCCCG-3'
Protein context (NP_066970.3, residues 257-277): EAQALARGVA[Glu267Gly]LSLADYAFTS